The following is an entry in ClinVar:

NM_001048174.2(MUTYH):c.907G>A (p.Glu303Lys)

Gene: MUTYH (mutY DNA glycosylase; minus strand). Cytogenetic location: 1p34.1.
Variant type: single nucleotide variant.
Coding change: c.907G>A on transcript NM_001048174.2 (MANE Select); coding-DNA position 907, G replaced by A.
Protein change: p.Glu303Lys; replaces glutamic acid 303 with lysine.
Molecular consequence: missense variant. On other transcripts: non-coding transcript variant (2).
Genome position (GRCh38, 1-based): chr1:45,332,029, C>T on the plus strand (G>A on the coding strand, the complement: MUTYH is on the minus strand). VCF-style: chr1-45332029-C-T. GRCh37 (hg19) VCF-style: chr1-45797701-C-T.
Other names: c.907G>A, p.Glu303Lys (NM_001293195.2, NM_001407070.1, NM_001407072.1 and 6 more transcripts); c.631G>A, p.Glu211Lys (NM_001293196.2, NM_001293192.2, NM_001407091.1); c.562G>A, p.Glu188Lys (NM_001350650.2, NM_001350651.2, NM_001407082.1); c.940G>A, p.Glu314Lys (NM_001407069.1, NM_001293191.2, NM_001407077.1); c.910G>A, p.Glu304Lys (NM_001407071.1, NM_001048172.2, NM_001407078.1 and 1 more transcripts); c.823G>A, p.Glu275Lys (NM_001407075.1); c.991G>A, p.Glu331Lys (NM_001128425.2); c.952G>A, p.Glu318Lys (NM_001293190.2); and 5 more; short protein forms E275K, E314K, E318K, E328K, E331K, E188K, E289K, E304K.
Identifiers: ClinVar variation 2099745 (VCV002099745.4), dbSNP rs1349388248, ClinGen allele CA340134021.
Genomic context (GRCh38, chr1:45,332,029, plus strand): 5'-GGGCTTCTGACTGGGCCAGGAAGGGTTGGGGTGGGGGCTAGGTTTGGTGCTCACCACACT[C>T]CTCCACGTCAGGACTGCCCGACAGGCTCCCTGAGGCTAAGAGCTGTTCCTGCTCCACCTG-3'
Protein context (NP_001041639.1, residues 293-313): GSLSGSPDVE[Glu303Lys]CAPNTGQCHL

ClinVar aggregate classification (germline): Uncertain significance (1 of 4 stars; one submission).

Conditions:
Familial adenomatous polyposis 2. Also called: MUTYH Polyposis; COLORECTAL ADENOMATOUS POLYPOSIS, AUTOSOMAL RECESSIVE; ADENOMAS, MULTIPLE COLORECTAL, AUTOSOMAL RECESSIVE; MUTYH-associated polyposis; MYH-associated polyposis; MUTYH-related attenuated familial adenomatous polyposis. Identifiers: Orphanet 220460, Orphanet 247798, MedGen C3272841, MONDO:0012041, OMIM 608456.

Allele frequency attached by ClinVar (database versions not stated): gnomAD exomes below 0.00001.

Submission:

Labcorp Genetics (formerly Invitae), Labcorp
Classification: Uncertain significance for Familial adenomatous polyposis 2. Last evaluated: 2024-04-10. Review status: criteria provided, single submitter. Criteria: Invitae Variant Classification Sherloc (09022015). Collection method: clinical testing. Allele origin: germline.
Comment: This sequence change replaces glutamic acid, which is acidic and polar, with lysine, which is basic and polar, at codon 331 of the MUTYH protein (p.Glu331Lys). This variant is present in population databases (no rsID available, gnomAD 0.0009%). This variant has not been reported in the literature in individuals affected with MUTYH-related conditions. ClinVar contains an entry for this variant (Variation ID: 2099745). An algorithm developed to predict the effect of missense changes on protein structure and function (PolyPhen-2) suggests that this variant is likely to be tolerated. In summary, the available evidence is currently insufficient to determine the role of this variant in disease. Therefore, it has been classified as a Variant of Uncertain Significance.